The following is an entry in ClinVar:

ClinVar aggregate classification (germline): Uncertain significance (1 of 4 stars; one submission).

Conditions:
Cardiovascular phenotype. Identifiers: MedGen CN230736.

gnomAD v4.1: 8 of 1,614,224 alleles (0.0005%); highest among the groups gnomAD compares: Non-Finnish European, 0.00068%; no homozygotes.

Submission:

Ambry Genetics
Classification: Uncertain significance for Cardiovascular phenotype. Last evaluated: 2020-06-12. Review status: criteria provided, single submitter. Criteria: Ambry Variant Classification Scheme 2023. Collection method: clinical testing. Allele origin: germline.
Comment: The p.A682T variant (also known as c.2044G>A), located in coding exon 15 of the MYH6 gene, results from a G to A substitution at nucleotide position 2044. The alanine at codon 682 is replaced by threonine, an amino acid with similar properties. This amino acid position is not well conserved in available vertebrate species, and threonine is the reference amino acid in other vertebrate species. In addition, this alteration is predicted to be tolerated by in silico analysis. Since supporting evidence is limited at this time, the clinical significance of this alteration remains unclear.

NM_002471.4(MYH6):c.2044G>A (p.Ala682Thr)

Gene: MYH6 (myosin heavy chain 6; minus strand). Cytogenetic location: 14q11.2.
Variant type: single nucleotide variant.
Coding change: c.2044G>A on transcript NM_002471.4 (MANE Select); coding-DNA position 2044, G replaced by A.
Protein change: p.Ala682Thr; replaces alanine 682 with threonine.
Molecular consequence: missense variant.
Genome position (GRCh38, 1-based): chr14:23,397,176, C>T on the plus strand (G>A on the coding strand, the complement: MYH6 is on the minus strand). VCF-style: chr14-23397176-C-T. GRCh37 (hg19) VCF-style: chr14-23866385-C-T.
Other names: short protein forms A682T.
Identifiers: ClinVar variation 1784948 (VCV001784948.2), dbSNP rs927752391, ClinGen allele CA389019192.